The following is an entry in ClinVar:

NM_033087.4(ALG2):c.1235C>A (p.Thr412Asn)

Gene: ALG2 (ALG2 alpha-1,3/1,6-mannosyltransferase; minus strand). Cytogenetic location: 9q22.33.
Variant type: single nucleotide variant.
Coding change: c.1235C>A on transcript NM_033087.4 (MANE Select); coding-DNA position 1235, C replaced by A.
Protein change: p.Thr412Asn; replaces threonine 412 with asparagine.
Molecular consequence: missense variant. On other transcripts: non-coding transcript variant (1).
Genome position (GRCh38, 1-based): chr9:99,217,950, G>T on the plus strand (C>A on the coding strand, the complement: ALG2 is on the minus strand). VCF-style: chr9-99217950-G-T. GRCh37 (hg19) VCF-style: chr9-101980232-G-T.
Other names: short protein forms T412N.
Identifiers: ClinVar variation 1937186 (VCV001937186.5), dbSNP rs1828722026, ClinGen allele CA374224740.

ClinVar aggregate classification (germline): Uncertain significance (1 of 4 stars; one submission).

Conditions:
Congenital disorder of glycosylation, type Ii. Also called: CDG Ii; ALG2-congenital disorder of glycosylation; ALG2-CDG. Identifiers: Orphanet 79326, MedGen C1842836, MONDO:0011933, OMIM 607906.
Congenital myasthenic syndrome 14. Also called: Myasthenic syndrome, congenital, 14, with tubular aggregates. Identifiers: Orphanet 353327, Orphanet 590, MedGen C4015597, MONDO:0014543, OMIM 616228.

Allele frequency attached by ClinVar (database versions not stated): TOPMed 0.00001.

Submission:

Labcorp Genetics (formerly Invitae), Labcorp
Classification: Uncertain significance for Congenital disorder of glycosylation, type Ii; Congenital myasthenic syndrome 14. Last evaluated: 2022-01-16. Review status: criteria provided, single submitter. Criteria: Invitae Variant Classification Sherloc (09022015). Collection method: clinical testing. Allele origin: germline.
Comment: In summary, the available evidence is currently insufficient to determine the role of this variant in disease. Therefore, it has been classified as a Variant of Uncertain Significance. Algorithms developed to predict the effect of missense changes on protein structure and function (SIFT, PolyPhen-2, Align-GVGD) all suggest that this variant is likely to be tolerated. This variant has not been reported in the literature in individuals affected with ALG2-related conditions. This variant is not present in population databases (gnomAD no frequency). This sequence change replaces threonine, which is neutral and polar, with asparagine, which is neutral and polar, at codon 412 of the ALG2 protein (p.Thr412Asn).